The following is an entry in ClinVar:

ClinVar aggregate classification (germline): Uncertain significance. Review status: criteria provided, multiple submitters, no conflicts (2 of 4 stars). 2 submissions from 2 submitters: Uncertain significance (2). Last evaluated 2025-06-03.

Conditions:
2-aminoadipic 2-oxoadipic aciduria (AAKAD). Also called: Aminoadipic aciduria; ALPHA-AMINOADIPIC AND ALPHA-KETOADIPIC ACIDURIA. Identifiers: Orphanet 79154, MedGen C1859817, MONDO:0008774, OMIM 204750.
Inborn genetic diseases. Identifiers: MedGen C0950123, MeSH D030342.

gnomAD v4.1: 22 of 1,614,000 alleles (0.0014%); highest among the groups gnomAD compares: Non-Finnish European, 0.0019%; no homozygotes.

Submissions (2):

Ambry Genetics
Classification: Uncertain significance for Inborn genetic diseases. Last evaluated: 2025-06-03. Review status: criteria provided, single submitter. Criteria: Ambry Variant Classification Scheme 2023. Collection method: clinical testing. Allele origin: germline.

Labcorp Genetics (formerly Invitae), Labcorp
Classification: Uncertain significance for 2-aminoadipic 2-oxoadipic aciduria. Last evaluated: 2024-10-01. Review status: criteria provided, single submitter. Criteria: Invitae Variant Classification Sherloc (09022015). Collection method: clinical testing. Allele origin: germline.
Comment: This sequence change replaces glycine, which is neutral and non-polar, with aspartic acid, which is acidic and polar, at codon 434 of the DHTKD1 protein (p.Gly434Asp). This variant is not present in population databases (gnomAD no frequency). This variant has not been reported in the literature in individuals affected with DHTKD1-related conditions. Invitae Evidence Modeling of protein sequence and biophysical properties (such as structural, functional, and spatial information, amino acid conservation, physicochemical variation, residue mobility, and thermodynamic stability) indicates that this missense variant is expected to disrupt DHTKD1 protein function with a positive predictive value of 80%. In summary, the available evidence is currently insufficient to determine the role of this variant in disease. Therefore, it has been classified as a Variant of Uncertain Significance.

NM_018706.7(DHTKD1):c.1301G>A (p.Gly434Asp)

Gene: DHTKD1 (dehydrogenase E1 and transketolase domain containing 1; plus strand). Cytogenetic location: 10p14.
Variant type: single nucleotide variant.
Coding change: c.1301G>A on transcript NM_018706.7 (MANE Select); coding-DNA position 1301, G replaced by A.
Protein change: p.Gly434Asp; replaces glycine 434 with aspartic acid.
Molecular consequence: missense variant.
Genome position (GRCh38, 1-based): chr10:12,094,214, G>A. VCF-style: chr10-12094214-G-A. GRCh37 (hg19) VCF-style: chr10-12136213-G-A.
Other names: c.1301G>A (NM_018706.5); short protein forms G434D.
Identifiers: ClinVar variation 3688156 (VCV003688156.3).